The following is an entry in ClinVar:

ClinVar aggregate classification (germline): Uncertain significance (1 of 4 stars; one submission).

Submission:

Labcorp Genetics (formerly Invitae), Labcorp
Classification: Uncertain significance. Last evaluated: 2025-06-19. Review status: criteria provided, single submitter. Criteria: Invitae Variant Classification Sherloc (09022015). Collection method: clinical testing. Allele origin: germline.
Comment: This sequence change replaces lysine, which is basic and polar, with asparagine, which is neutral and polar, at codon 1622 of the RAI1 protein (p.Lys1622Asn). This variant is not present in population databases (gnomAD no frequency). This variant has not been reported in the literature in individuals affected with RAI1-related conditions. Invitae Evidence Modeling of protein sequence and biophysical properties (such as structural, functional, and spatial information, amino acid conservation, physicochemical variation, residue mobility, and thermodynamic stability) indicates that this missense variant is not expected to disrupt RAI1 protein function with a negative predictive value of 80%. In summary, the available evidence is currently insufficient to determine the role of this variant in disease. Therefore, it has been classified as a Variant of Uncertain Significance.

NM_030665.4(RAI1):c.4866G>T (p.Lys1622Asn)

Gene: RAI1 (retinoic acid induced 1; plus strand). Cytogenetic location: 17p11.2.
Variant type: single nucleotide variant.
Coding change: c.4866G>T on transcript NM_030665.4 (MANE Select); coding-DNA position 4866, G replaced by T.
Protein change: p.Lys1622Asn; replaces lysine 1622 with asparagine.
Molecular consequence: missense variant.
Genome position (GRCh38, 1-based): chr17:17,797,814, G>T. VCF-style: chr17-17797814-G-T. GRCh37 (hg19) VCF-style: chr17-17701128-G-T.
Other names: short protein forms K1622N.
Identifiers: ClinVar variation 4745329 (VCV004745329.1).